The following is an entry in ClinVar:

ClinVar aggregate classification (germline): Uncertain significance. Review status: criteria provided, multiple submitters, no conflicts (2 of 4 stars). 2 submissions from 2 submitters: Uncertain significance (2). Last evaluated 2026-03-09.

Conditions:
PLXNA3-related disorder. Also called: PLXNA3-related condition.

gnomAD v4.1: 50 of 1,208,015 alleles (0.0041%); highest among the groups gnomAD compares: East Asian, 0.0089%; no homozygotes.

Submissions (2):

PreventionGenetics, part of Exact Sciences
Classification: Uncertain significance for PLXNA3-related condition. Last evaluated: 2026-03-09. Review status: criteria provided, single submitter. Criteria: ACMG Guidelines, 2015. Collection method: clinical testing. Allele origin: germline.
Comment: The PLXNA3 c.70C>T variant is predicted to result in the amino acid substitution p.Arg24Cys. To our knowledge, this variant has not been reported in the literature. This variant is reported in 0.011% of alleles in individuals of South Asian descent in gnomAD. At this time, the clinical significance of this variant is uncertain due to the absence of conclusive functional and genetic evidence.

Ambry Genetics
Classification: Uncertain significance. Last evaluated: 2024-05-20. Review status: criteria provided, single submitter. Criteria: Ambry Variant Classification Scheme 2023. Collection method: clinical testing. Allele origin: germline.

NM_017514.5(PLXNA3):c.70C>T (p.Arg24Cys)

Gene: PLXNA3 (plexin A3; plus strand). Cytogenetic location: Xq28.
Variant type: single nucleotide variant.
Coding change: c.70C>T on transcript NM_017514.5 (MANE Select); coding-DNA position 70, C replaced by T.
Protein change: p.Arg24Cys; replaces arginine 24 with cysteine.
Molecular consequence: missense variant.
Genome position (GRCh38, 1-based): chrX:154,460,253, C>T. VCF-style: chrX-154460253-C-T. GRCh37 (hg19) VCF-style: chrX-153688593-C-T.
Other names: short protein forms R24C.
Identifiers: ClinVar variation 3307913 (VCV003307913.3).